The following is an entry in ClinVar:

ClinVar aggregate classification (germline): Benign/Likely benign. Review status: criteria provided, multiple submitters, no conflicts (2 of 4 stars). 7 submissions from 7 submitters: Benign (1); Likely benign (4). 2 of the submissions do not count toward it. Last evaluated 2026-01-26.

Conditions:
VHL-related disorder. Also called: VHL-related condition.
Von Hippel-Lindau syndrome (VHLS). Also called: VHL syndrome; von Hippel–Lindau syndrome; Von Hippel-Lindau. Identifiers: Orphanet 892, MedGen C0019562, MONDO:0008667, OMIM 193300. Disease mechanism: loss of function.
Chuvash polycythemia. Also called: POLYCYTHEMIA, VHL-DEPENDENT. Identifiers: Orphanet 238557, MedGen C1837915, MONDO:0009892, OMIM 263400.
Hereditary cancer-predisposing syndrome. Also called: Tumor predisposition; Hereditary Cancer Syndrome; Neoplastic Syndromes, Hereditary; Hereditary neoplastic syndrome. Identifiers: Orphanet 140162, MedGen C0027672, MeSH D009386, MONDO:0015356.

Allele frequency attached by ClinVar (database versions not stated): gnomAD exomes 0.00001; TOPMed 0.00002; gnomAD 0.00003.

Submissions (7):

Labcorp Genetics (formerly Invitae), Labcorp
Classification: Likely benign for Von Hippel-Lindau syndrome; Chuvash polycythemia. Last evaluated: 2026-01-26. Review status: criteria provided, single submitter. Criteria: Invitae Variant Classification Sherloc (09022015). Collection method: clinical testing. Allele origin: germline.

Myriad Genetics, Inc.
Classification: Benign for Von Hippel-Lindau syndrome. Last evaluated: 2025-06-11. Review status: criteria provided, single submitter. Criteria: Myriad Autosomal Dominant, Autosomal Recessive and X-Linked Classification Criteria (2023). Collection method: clinical testing. Allele origin: unknown.
Comment: This variant is considered benign. This variant is a silent/synonymous amino acid change and it is not expected to impact splicing.

Sema4
Classification: Likely benign for Hereditary cancer-predisposing syndrome. Last evaluated: 2021-03-02. Review status: criteria provided, single submitter. Criteria: Sema4 Curation Guidelines. Collection method: curation. Allele origin: germline.

Ambry Genetics
Classification: Likely benign for Hereditary cancer-predisposing syndrome. Last evaluated: 2020-09-09. Review status: criteria provided, single submitter. Criteria: Ambry Variant Classification Scheme 2023. Collection method: clinical testing. Allele origin: germline.

GeneDx
Classification: Likely benign. Last evaluated: 2019-08-14. Review status: criteria provided, single submitter. Criteria: GeneDx Variant Classification Process June 2021. Collection method: clinical testing. Allele origin: germline. Affected: yes.
Comment: This variant is associated with the following publications: (PMID: 23558940)

PreventionGenetics, part of Exact Sciences
Classification: Likely benign for VHL-related condition. Last evaluated: 2019-11-15. Review status: no assertion criteria provided. Collection method: clinical testing. Allele origin: germline. Not counted in ClinVar's aggregate classification.
Comment: This variant is classified as likely benign based on ACMG/AMP sequence variant interpretation guidelines (Richards et al. 2015 PMID: 25741868, with internal and published modifications).

Counsyl
Classification: Likely benign for Von Hippel-Lindau syndrome. Last evaluated: 2016-09-26. Review status: no assertion criteria provided. Collection method: clinical testing. Allele origin: unknown. Not counted in ClinVar's aggregate classification.

NM_000551.4(VHL):c.375C>T (p.His125=)

Genes: VHL (von Hippel-Lindau tumor suppressor; plus strand), LOC107303340 (3p25 von Hippel-Lindau tumor suppressor, E3 ubiquitin protein ligase Alu-mediated recombination region; plus strand). Cytogenetic location: 3p25.3.
Variant type: single nucleotide variant.
Coding change: c.375C>T on transcript NM_000551.4 (MANE Select); coding-DNA position 375, C replaced by T.
Protein change: p.His125=; no amino-acid change (histidine 125 retained).
Molecular consequence: synonymous variant. On other transcripts: intron variant (2).
Genome position (GRCh38, 1-based): chr3:10,146,548, C>T. VCF-style: chr3-10146548-C-T. GRCh37 (hg19) VCF-style: chr3-10188232-C-T.
Other names: c.*18-3239C>T (NM_001354723.2); c.341-3239C>T (NM_198156.3).
Identifiers: ClinVar variation 215768 (VCV000215768.21), dbSNP rs863224372, ClinGen allele CA338024.
Genomic context (GRCh38, chr3:10,146,548, plus strand): 5'-TTAACAACCTTTGCTTGTCCCGATAGGTCACCTTTGGCTCTTCAGAGATGCAGGGACACA[C>T]GATGGGCTTCTGGTTAACCAAACTGAATTATTTGTGCCATCTCTCAATGTTGACGGACAG-3'
Protein context (NP_000542.1, residues 115-135): HLWLFRDAGT[His125=]DGLLVNQTEL